The following is an entry in ClinVar:

NM_000384.3(APOB):c.6310A>G (p.Ile2104Val)

Gene: APOB (apolipoprotein B; minus strand). Cytogenetic location: 2p24.1.
Variant type: single nucleotide variant.
Coding change: c.6310A>G on transcript NM_000384.3 (MANE Select); coding-DNA position 6310, A replaced by G.
Protein change: p.Ile2104Val; replaces isoleucine 2104 with valine.
Molecular consequence: missense variant.
Genome position (GRCh38, 1-based): chr2:21,010,558, T>C on the plus strand (A>G on the coding strand, the complement: APOB is on the minus strand). VCF-style: chr2-21010558-T-C. GRCh37 (hg19) VCF-style: chr2-21233430-T-C.
Other names: short protein forms I2104V.
Identifiers: ClinVar variation 3231438 (VCV003231438.2), dbSNP rs1270061625, ClinGen allele CA346002042.

ClinVar aggregate classification (germline): Uncertain significance (1 of 4 stars; one submission).

Conditions:
Cardiovascular phenotype. Identifiers: MedGen CN230736.

gnomAD v4.1: 1 of 1,613,194 alleles (0.000062%); no homozygotes.

Submission:

Ambry Genetics
Classification: Uncertain significance for Cardiovascular phenotype. Last evaluated: 2025-10-14. Review status: criteria provided, single submitter. Criteria: Ambry Variant Classification Scheme 2023. Collection method: clinical testing. Allele origin: germline.
Comment: The p.I2104V variant (also known as c.6310A>G), located in coding exon 26 of the APOB gene, results from an A to G substitution at nucleotide position 6310. The isoleucine at codon 2104 is replaced by valine, an amino acid with highly similar properties. This amino acid position is conserved. In addition, this alteration is predicted to be tolerated by in silico analysis. Since supporting evidence is limited at this time, the clinical significance of this alteration remains unclear.